The following is an entry in ClinVar:

NM_001374736.1(DST):c.4704G>C (p.Gln1568His)

Gene: DST (dystonin; minus strand). Cytogenetic location: 6p12.1.
Variant type: single nucleotide variant.
Coding change: c.4704G>C on transcript NM_001374736.1 (MANE Select); coding-DNA position 4704, G replaced by C.
Protein change: p.Gln1568His; replaces glutamine 1568 with histidine.
Molecular consequence: missense variant.
Genome position (GRCh38, 1-based): chr6:56,627,222, C>G on the plus strand (G>C on the coding strand, the complement: DST is on the minus strand). VCF-style: chr6-56627222-C-G. GRCh37 (hg19) VCF-style: chr6-56492020-C-G.
Other names: c.4605G>C, p.Gln1535His (NM_001144769.5); c.4191G>C, p.Gln1397His (NM_001144770.2); c.4704G>C, p.Gln1568His (NM_001374722.1); c.4071G>C, p.Gln1357His (NM_001374729.1, NM_001374730.1, NM_001386100.1 and 1 more transcripts); c.4731G>C, p.Gln1577His (NM_001374734.1); c.3093G>C, p.Gln1031His (NM_001723.7, NM_015548.5); short protein forms Q1577H, Q1031H, Q1397H, Q1535H, Q1568H, Q1357H.
Identifiers: ClinVar variation 1472810 (VCV001472810.8), dbSNP rs2152751643, ClinGen allele CA364572964.

ClinVar aggregate classification (germline): Uncertain significance (1 of 4 stars; one submission).

Conditions:
Hereditary sensory and autonomic neuropathy type 6. Also called: HSAN VI; Neuropathy, hereditary sensory and autonomic, type VI. Identifiers: Orphanet 314381, MedGen C3539003, MONDO:0013839, OMIM 614653.
Epidermolysis bullosa simplex 3, localized or generalized intermediate, with BP230 deficiency (EBS3). Also called: Epidermolysis bullosa simplex, autosomal recessive 2; Epidermolysis bullosa simplex due to BP230 deficiency. Identifiers: Orphanet 412181, MedGen C3809470, MONDO:0014180, OMIM 615425.

Submission:

Labcorp Genetics (formerly Invitae), Labcorp
Classification: Uncertain significance for Epidermolysis bullosa simplex 3, localized or generalized intermediate, with BP230 deficiency; Hereditary sensory and autonomic neuropathy type 6. Last evaluated: 2024-02-05. Review status: criteria provided, single submitter. Criteria: Invitae Variant Classification Sherloc (09022015). Collection method: clinical testing. Allele origin: germline.
Comment: This sequence change replaces glutamine, which is neutral and polar, with histidine, which is basic and polar, at codon 1031 of the DST protein (p.Gln1031His). This variant is not present in population databases (gnomAD no frequency). This variant has not been reported in the literature in individuals affected with DST-related conditions. ClinVar contains an entry for this variant (Variation ID: 1472810). An algorithm developed to predict the effect of missense changes on protein structure and function (PolyPhen-2) suggests that this variant is likely to be disruptive. In summary, the available evidence is currently insufficient to determine the role of this variant in disease. Therefore, it has been classified as a Variant of Uncertain Significance.